The following is an entry in ClinVar:

ClinVar aggregate classification (germline): Uncertain significance (1 of 4 stars; one submission).

Conditions:
Early-infantile DEE. Also called: Early infantile epileptic encephalopathy with suppression bursts; Ohtahara syndrome; Early infantile epileptic encephalopathy. Identifiers: Orphanet 1934, MedGen C0393706, MONDO:0800491.

Submission:

Labcorp Genetics (formerly Invitae), Labcorp
Classification: Uncertain significance for Early-infantile DEE. Last evaluated: 2022-08-22. Review status: criteria provided, single submitter. Criteria: Invitae Variant Classification Sherloc (09022015). Collection method: clinical testing. Allele origin: germline.
Comment: This sequence change replaces lysine, which is basic and polar, with asparagine, which is neutral and polar, at codon 508 of the SPTAN1 protein (p.Lys508Asn). This variant is not present in population databases (gnomAD no frequency). This variant has not been reported in the literature in individuals affected with SPTAN1-related conditions. ClinVar contains an entry for this variant (Variation ID: 1364004). Algorithms developed to predict the effect of missense changes on protein structure and function (SIFT, PolyPhen-2, Align-GVGD) all suggest that this variant is likely to be disruptive. In summary, the available evidence is currently insufficient to determine the role of this variant in disease. Therefore, it has been classified as a Variant of Uncertain Significance.

NM_001130438.3(SPTAN1):c.1524G>C (p.Lys508Asn)

Gene: SPTAN1 (spectrin alpha, non-erythrocytic 1; plus strand). Cytogenetic location: 9q34.11.
Variant type: single nucleotide variant.
Coding change: c.1524G>C on transcript NM_001130438.3 (MANE Select); coding-DNA position 1524, G replaced by C.
Protein change: p.Lys508Asn; replaces lysine 508 with asparagine.
Molecular consequence: missense variant.
Genome position (GRCh38, 1-based): chr9:128,581,844, G>C. VCF-style: chr9-128581844-G-C. GRCh37 (hg19) VCF-style: chr9-131344123-G-C.
Other names: c.1524G>C, p.Lys508Asn (NM_001195532.2, NM_001363759.2, NM_001363765.2 and 5 more transcripts); c.1560G>C, p.Lys520Asn (NM_001375312.2, NM_001375318.1); short protein forms K520N, K508N.
Identifiers: ClinVar variation 1364004 (VCV001364004.9), dbSNP rs2131108546, ClinGen allele CA375054260.
Genomic context (GRCh38, chr9:128,581,844, plus strand): 5'-GTTCCTGTTGAATGAAGACTTGGGAGATTCCTTGGATAGTGTGGAAGCGCTTCTTAAGAA[G>C]CACGAAGACTTTGAGAAATCCCTTAGTGCCCAGGAGGAAAAGATTACAGTAAGACCCCTT-3'
Protein context (NP_001123910.1, residues 498-518): SLDSVEALLK[Lys508Asn]HEDFEKSLSA